The following is an entry in ClinVar:

NM_004655.4(AXIN2):c.761C>T (p.Thr254Ile)

Gene: AXIN2 (axin 2; minus strand). Cytogenetic location: 17q24.1.
Variant type: single nucleotide variant.
Coding change: c.761C>T on transcript NM_004655.4 (MANE Select); coding-DNA position 761, C replaced by T.
Protein change: p.Thr254Ile; replaces threonine 254 with isoleucine.
Molecular consequence: missense variant.
Genome position (GRCh38, 1-based): chr17:65,557,860, G>A on the plus strand (C>T on the coding strand, the complement: AXIN2 is on the minus strand). VCF-style: chr17-65557860-G-A. GRCh37 (hg19) VCF-style: chr17-63553978-G-A.
Other names: c.761C>T, p.Thr254Ile (NM_001363813.1); short protein forms T254I.
Identifiers: ClinVar variation 2981321 (VCV002981321.3), dbSNP rs2544247429, ClinGen allele CA400680327.

ClinVar aggregate classification (germline): Uncertain significance (1 of 4 stars; one submission).

Conditions:
Oligodontia-cancer predisposition syndrome. Also called: TOOTH AGENESIS-COLORECTAL CANCER SYNDROME. Identifiers: Orphanet 300576, MedGen C1837750, MONDO:0012075, OMIM 608615. Disease mechanism: loss of function.

Submission:

Labcorp Genetics (formerly Invitae), Labcorp
Classification: Uncertain significance for Oligodontia-cancer predisposition syndrome. Last evaluated: 2025-11-11. Review status: criteria provided, single submitter. Criteria: Invitae Variant Classification Sherloc (09022015). Collection method: clinical testing. Allele origin: germline.
Comment: This sequence change replaces threonine, which is neutral and polar, with isoleucine, which is neutral and non-polar, at codon 254 of the AXIN2 protein (p.Thr254Ile). This variant is not present in population databases (gnomAD no frequency). This variant has not been reported in the literature in individuals affected with AXIN2-related conditions. ClinVar contains an entry for this variant (Variation ID: 2981321). Invitae Evidence Modeling of protein sequence and biophysical properties (such as structural, functional, and spatial information, amino acid conservation, physicochemical variation, residue mobility, and thermodynamic stability) indicates that this missense variant is not expected to disrupt AXIN2 protein function with a negative predictive value of 80%. In summary, the available evidence is currently insufficient to determine the role of this variant in disease. Therefore, it has been classified as a Variant of Uncertain Significance.